The following is an entry in ClinVar:

NM_001385125.1(OPN1SW):c.561C>T (p.Thr187=)

Gene: OPN1SW (opsin 1, short wave sensitive; minus strand). Cytogenetic location: 7q32.1.
Variant type: single nucleotide variant.
Coding change: c.561C>T on transcript NM_001385125.1 (MANE Select); coding-DNA position 561, C replaced by T.
Protein change: p.Thr187=; no amino-acid change (threonine 187 retained).
Molecular consequence: synonymous variant.
Genome position (GRCh38, 1-based): chr7:128,774,615, G>A on the plus strand (C>T on the coding strand, the complement: OPN1SW is on the minus strand). VCF-style: chr7-128774615-G-A. GRCh37 (hg19) VCF-style: chr7-128414669-G-A.
Other names: NM_001708.2:c.570C>T.
Identifiers: ClinVar variation 1097460 (VCV001097460.11), dbSNP rs367950991, ClinGen allele CA4472906.
Genomic context (GRCh38, chr7:128,774,615, plus strand): 5'-AATGAAGCAGAAGATGAAGAGGAACCACGTATAGGACTCGCTGCGGTATTTGGTGCCCAC[G>A]GTGTACCAGTCAGGGCCACAGGAACACTGCAGGCCCTCAGGGATGAACCTGCAAAGGACC-3'
Protein context (NP_001372054.1, residues 177-197): LQCSCGPDWY[Thr187=]VGTKYRSESY

ClinVar aggregate classification (germline): Likely benign. Review status: criteria provided, single submitter (1 of 4 stars). 2 submissions from 2 submitters: Likely benign (1). 1 of the submissions does not count toward it. Last evaluated 2024-02-14.

Conditions:
OPN1SW-related disorder. Also called: OPN1SW-related condition.

Allele frequency attached by ClinVar (database versions not stated): gnomAD exomes 0.00002 and 0.00004; ExAC 0.00005; gnomAD 0.00005; ESP Exome Variant Server 0.00008; TOPMed 0.00008; 1000 Genomes Project 30x 0.00016; 1000 Genomes Project 0.00020.
gnomAD v4.1: 39 of 1,614,082 alleles (0.0024%); highest among the groups gnomAD compares: African/African-American, 0.011%; no homozygotes.

Submissions (2):

Labcorp Genetics (formerly Invitae), Labcorp
Classification: Likely benign. Last evaluated: 2024-02-14. Review status: criteria provided, single submitter. Criteria: Invitae Variant Classification Sherloc (09022015). Collection method: clinical testing. Allele origin: germline.

PreventionGenetics, part of Exact Sciences
Classification: Likely benign for OPN1SW-related condition. Last evaluated: 2023-10-20. Review status: no assertion criteria provided. Collection method: clinical testing. Allele origin: germline. Not counted in ClinVar's aggregate classification.
Comment: This variant is classified as likely benign based on ACMG/AMP sequence variant interpretation guidelines (Richards et al. 2015 PMID: 25741868, with internal and published modifications).